The following is an entry in ClinVar:

NM_000191.3(HMGCL):c.20C>T (p.Ala7Val)

Gene: HMGCL (3-hydroxy-3-methylglutaryl-CoA lyase; minus strand). Cytogenetic location: 1p36.11.
Variant type: single nucleotide variant.
Coding change: c.20C>T on transcript NM_000191.3 (MANE Select); coding-DNA position 20, C replaced by T.
Protein change: p.Ala7Val; replaces alanine 7 with valine.
Molecular consequence: missense variant.
Genome position (GRCh38, 1-based): chr1:23,825,396, G>A on the plus strand (C>T on the coding strand, the complement: HMGCL is on the minus strand). VCF-style: chr1-23825396-G-A. GRCh37 (hg19) VCF-style: chr1-24151886-G-A.
Other names: c.20C>T, p.Ala7Val (NM_001166059.2); c.20C>T (NM_000191.2); short protein forms A7V.
Identifiers: ClinVar variation 1199314 (VCV001199314.7), dbSNP rs754437215, ClinGen allele CA339031210.

ClinVar aggregate classification (germline): Uncertain significance. Review status: criteria provided, multiple submitters, no conflicts (2 of 4 stars). 3 submissions from 3 submitters: Uncertain significance (3). Last evaluated 2025-04-01.

Conditions:
Inborn genetic diseases. Identifiers: MedGen C0950123, MeSH D030342.
Deficiency of hydroxymethylglutaryl-CoA lyase (HMGCLD). Also called: Defect in leucine metabolism; 3-hydroxy-3-methylglutaric aciduria; HMGCL DEFICIENCY; HYDROXYMETHYLGLUTARIC ACIDURIA; HMG-CoA LYASE DEFICIENCY. Identifiers: Orphanet 20, MedGen C1533587, MONDO:0009520, OMIM 246450.

gnomAD v4.1: 6 of 1,560,718 alleles (0.00038%); highest among the groups gnomAD compares: Admixed American, 0.0076%; no homozygotes.

Submissions (3):

Ambry Genetics
Classification: Uncertain significance for Inborn genetic diseases. Last evaluated: 2025-04-01. Review status: criteria provided, single submitter. Criteria: Ambry Variant Classification Scheme 2023. Collection method: clinical testing. Allele origin: germline.

Labcorp Genetics (formerly Invitae), Labcorp
Classification: Uncertain significance for Deficiency of hydroxymethylglutaryl-CoA lyase. Last evaluated: 2024-02-23. Review status: criteria provided, single submitter. Criteria: Invitae Variant Classification Sherloc (09022015). Collection method: clinical testing. Allele origin: germline.
Comment: This sequence change replaces alanine, which is neutral and non-polar, with valine, which is neutral and non-polar, at codon 7 of the HMGCL protein (p.Ala7Val). The frequency data for this variant in the population databases is considered unreliable, as metrics indicate poor data quality at this position in the gnomAD database. This variant has not been reported in the literature in individuals affected with HMGCL-related conditions. ClinVar contains an entry for this variant (Variation ID: 1199314). Algorithms developed to predict the effect of missense changes on protein structure and function output the following: SIFT: "Not Available"; PolyPhen-2: "Benign"; Align-GVGD: "Not Available". The valine amino acid residue is found in multiple mammalian species, which suggests that this missense change does not adversely affect protein function. In summary, the available evidence is currently insufficient to determine the role of this variant in disease. Therefore, it has been classified as a Variant of Uncertain Significance.

Genome-Nilou Lab
Classification: Uncertain significance for Deficiency of hydroxymethylglutaryl-CoA lyase. Last evaluated: 2021-07-14. Review status: criteria provided, single submitter. Criteria: ACMG Guidelines, 2015. Collection method: clinical testing. Allele origin: germline. Affected: no.